The following is an entry in ClinVar:

ClinVar aggregate classification (germline): Likely benign. Review status: criteria provided, multiple submitters, no conflicts (2 of 4 stars). 4 submissions from 4 submitters: Likely benign (3). 1 of the submissions does not count toward it. Last evaluated 2025-01-28.

Conditions:
ADCY1-related disorder. Also called: ADCY1-related condition.

Allele frequency attached by ClinVar (database versions not stated): gnomAD exomes 0.00028; ExAC 0.00031; gnomAD 0.00038 and 0.00040; ESP Exome Variant Server 0.00062.
gnomAD v4.1: 239 of 780,482 alleles (0.031%); highest among the groups gnomAD compares: African/African-American, 0.049%; no homozygotes.

Submissions (4):

Labcorp Genetics (formerly Invitae), Labcorp
Classification: Likely benign. Last evaluated: 2025-01-28. Review status: criteria provided, single submitter. Criteria: Invitae Variant Classification Sherloc (09022015). Collection method: clinical testing. Allele origin: germline.

Blueprint Genetics
Classification: Likely benign. Last evaluated: 2024-08-09. Review status: criteria provided, single submitter. Criteria: ACMG Guidelines, 2015. Collection method: clinical testing. Allele origin: germline.

GeneDx
Classification: Likely benign. Last evaluated: 2021-03-31. Review status: criteria provided, single submitter. Criteria: GeneDx Variant Classification Process June 2021. Collection method: clinical testing. Allele origin: germline. Affected: yes.

PreventionGenetics, part of Exact Sciences
Classification: Likely benign for ADCY1-related condition. Last evaluated: 2024-05-09. Review status: no assertion criteria provided. Collection method: clinical testing. Allele origin: germline. Not counted in ClinVar's aggregate classification.
Comment: This variant is classified as likely benign based on ACMG/AMP sequence variant interpretation guidelines (Richards et al. 2015 PMID: 25741868, with internal and published modifications).

NM_021116.4(ADCY1):c.3282C>T (p.Gly1094=)

Gene: ADCY1 (adenylate cyclase 1; plus strand). Cytogenetic location: 7p12.3.
Variant type: single nucleotide variant.
Coding change: c.3282C>T on transcript NM_021116.4 (MANE Select); coding-DNA position 3282, C replaced by T.
Protein change: p.Gly1094=; no amino-acid change (glycine 1094 retained).
Molecular consequence: synonymous variant.
Genome position (GRCh38, 1-based): chr7:45,713,917, C>T. VCF-style: chr7-45713917-C-T. GRCh37 (hg19) VCF-style: chr7-45753516-C-T.
Identifiers: ClinVar variation 1316879 (VCV001316879.11), dbSNP rs149213275, ClinGen allele CA4249470.